The following is an entry in ClinVar:

ClinVar aggregate classification (germline): Pathogenic (1 of 4 stars; one submission).

Conditions:
LAMA2-related muscular dystrophy (LAMA2-RD). Also called: Laminin alpha 2-related dystrophy. Identifiers: MedGen C5679788, MONDO:0100228.

gnomAD v4.1: 1 of 1,614,206 alleles (0.000062%); highest among the groups gnomAD compares: Non-Finnish European, 0.000085%; no homozygotes.

Submission:

Myriad Genetics, Inc.
Classification: Pathogenic for LAMA2-related muscular dystrophy. Last evaluated: 2024-09-12. Review status: criteria provided, single submitter. Criteria: Myriad Autosomal Dominant, Autosomal Recessive and X-Linked Classification Criteria (2023). Collection method: clinical testing. Allele origin: unknown.
Comment: NM_000426.3(LAMA2):c.4251T>A(C1417*) is expected to be pathogenic in the context of muscular dystrophy, LAMA2-related. This variant is predicted to lead to an abnormal or absent protein product due to the creation of a premature termination codon in LAMA2, a gene where loss-of-function variants are known to be pathogenic. Please note: this variant was assessed in the context of healthy population screening.

NM_000426.4(LAMA2):c.4251T>A (p.Cys1417Ter)

Gene: LAMA2 (laminin subunit alpha 2; plus strand). Cytogenetic location: 6q22.33.
Variant type: single nucleotide variant.
Coding change: c.4251T>A on transcript NM_000426.4 (MANE Select); coding-DNA position 4251, T replaced by A.
Protein change: p.Cys1417Ter; replaces cysteine 1417 with a stop codon.
Molecular consequence: nonsense.
Genome position (GRCh38, 1-based): chr6:129,328,352, T>A. VCF-style: chr6-129328352-T-A. GRCh37 (hg19) VCF-style: chr6-129649497-T-A.
Other names: c.4251T>A, p.Cys1417Ter (NM_001079823.2); short protein forms C1417*.
Identifiers: ClinVar variation 5013547 (VCV005013547.1).